The following is an entry in ClinVar:

ClinVar aggregate classification (germline): Benign. Review status: criteria provided, multiple submitters, no conflicts (2 of 4 stars). 5 submissions from 5 submitters: Benign (5). Last evaluated 2026-02-04.

Allele frequency attached by ClinVar (database versions not stated): 1000 Genomes Project 0.08307; 1000 Genomes Project 30x 0.08323; TOPMed 0.10792; gnomAD 0.10941 and 0.11023; ESP Exome Variant Server 0.11656; ExAC 0.11975; gnomAD exomes 0.12258 and 0.13648.
gnomAD v4.1: 216,140 of 1,613,256 alleles (13%); highest among the groups gnomAD compares: Middle Eastern, 15%; 15,377 homozygotes.

Submissions (5):

Labcorp Genetics (formerly Invitae), Labcorp
Classification: Benign. Last evaluated: 2026-02-04. Review status: criteria provided, single submitter. Criteria: Invitae Variant Classification Sherloc (09022015). Collection method: clinical testing. Allele origin: germline.

Blueprint Genetics
Classification: Benign. Last evaluated: 2024-11-27. Review status: criteria provided, single submitter. Criteria: ACMG Guidelines, 2015. Collection method: clinical testing. Allele origin: germline.

Mayo Clinic Laboratories, Mayo Clinic
Classification: Benign. Last evaluated: 2022-09-06. Review status: criteria provided, single submitter. Criteria: ACMG Guidelines, 2015. Collection method: clinical testing. Allele origin: germline. Observed: 15 variant alleles.

GeneDx
Classification: Benign. Last evaluated: 2015-12-17. Review status: criteria provided, single submitter. Criteria: GeneDx Variant Classification (06012015). Collection method: clinical testing. Allele origin: germline. Affected: yes.
Comment: This variant is considered likely benign or benign based on one or more of the following criteria: it is a conservative change, it occurs at a poorly conserved position in the protein, it is predicted to be benign by multiple in silico algorithms, and/or has population frequency not consistent with disease.

Breakthrough Genomics
Classification: Benign. Review status: criteria provided, single submitter. Criteria: ACMG Guidelines, 2015. Collection method: not provided. Allele origin: germline. Inheritance: Autosomal recessive inheritance. Affected: yes.

NM_016417.3(GLRX5):c.436G>A (p.Ala146Thr)

Gene: GLRX5 (glutaredoxin 5; plus strand). Cytogenetic location: 14q32.13.
Variant type: single nucleotide variant.
Coding change: c.436G>A on transcript NM_016417.3 (MANE Select); coding-DNA position 436, G replaced by A.
Protein change: p.Ala146Thr; replaces alanine 146 with threonine.
Molecular consequence: missense variant.
Genome position (GRCh38, 1-based): chr14:95,544,087, G>A. VCF-style: chr14-95544087-G-A. GRCh37 (hg19) VCF-style: chr14-96010424-G-A.
Other names: p.Ala146Thr; short protein forms A146T.
Identifiers: ClinVar variation 379974 (VCV000379974.13), dbSNP rs11628901, ClinGen allele CA7333964.